The following is an entry in ClinVar:

ClinVar aggregate classification (germline): Uncertain significance (1 of 4 stars; one submission).

Conditions:
Neurofibromatosis, type 1 (NF1). Also called: Neurofibromatosis, type I; NEUROFIBROMATOSIS, TYPE I, SOMATIC; Peripheral type neurofibromatosis; VON RECKLINGHAUSEN DISEASE. Identifiers: Orphanet 636, MedGen C0027831, MONDO:0018975, OMIM 162200. Disease mechanism: loss of function.

Submission:

Labcorp Genetics (formerly Invitae), Labcorp
Classification: Uncertain significance for Neurofibromatosis, type 1. Last evaluated: 2023-05-19. Review status: criteria provided, single submitter. Criteria: Invitae Variant Classification Sherloc (09022015). Collection method: clinical testing. Allele origin: germline.
Comment: This sequence change replaces asparagine, which is neutral and polar, with serine, which is neutral and polar, at codon 1379 of the NF1 protein (p.Asn1379Ser). This variant is not present in population databases (gnomAD no frequency). This variant has not been reported in the literature in individuals affected with NF1-related conditions. Advanced modeling of protein sequence and biophysical properties (such as structural, functional, and spatial information, amino acid conservation, physicochemical variation, residue mobility, and thermodynamic stability) has been performed at Invitae for this missense variant, however the output from this modeling did not meet the statistical confidence thresholds required to predict the impact of this variant on NF1 protein function. In summary, the available evidence is currently insufficient to determine the role of this variant in disease. Therefore, it has been classified as a Variant of Uncertain Significance.

NM_001042492.3(NF1):c.4199A>G (p.Asn1400Ser)

Gene: NF1 (neurofibromin 1; plus strand). Cytogenetic location: 17q11.2.
Variant type: single nucleotide variant.
Coding change: c.4199A>G on transcript NM_001042492.3 (MANE Select); coding-DNA position 4199, A replaced by G.
Protein change: p.Asn1400Ser; replaces asparagine 1400 with serine.
Molecular consequence: missense variant.
Genome position (GRCh38, 1-based): chr17:31,258,369, A>G. VCF-style: chr17-31258369-A-G. GRCh37 (hg19) VCF-style: chr17-29585387-A-G.
Other names: c.4136A>G, p.Asn1379Ser (NM_000267.4); short protein forms N1379S, N1400S.
Identifiers: ClinVar variation 2865598 (VCV002865598.3), dbSNP rs2151461840, ClinGen allele CA398997610.